The following is an entry in ClinVar:

NM_005529.7(HSPG2):c.8330G>A (p.Arg2777Gln)

Gene: HSPG2 (heparan sulfate proteoglycan 2; minus strand). Cytogenetic location: 1p36.12.
Variant type: single nucleotide variant.
Coding change: c.8330G>A on transcript NM_005529.7 (MANE Select); coding-DNA position 8330, G replaced by A.
Protein change: p.Arg2777Gln; replaces arginine 2777 with glutamine.
Molecular consequence: missense variant.
Genome position (GRCh38, 1-based): chr1:21,846,242, C>T on the plus strand (G>A on the coding strand, the complement: HSPG2 is on the minus strand). VCF-style: chr1-21846242-C-T. GRCh37 (hg19) VCF-style: chr1-22172735-C-T.
Other names: c.8333G>A, p.Arg2778Gln (NM_001291860.2); short protein forms R2778Q, R2777Q.
Identifiers: ClinVar variation 736738 (VCV000736738.42), dbSNP rs146305109, ClinGen allele CA670812.
Genomic context (GRCh38, chr1:21,846,242, plus strand): 5'-CCCATCACCCGGCACACGTATTCACCCGAGTCGGCCGGGGACACATGGTGCAGCCGCAGC[C>T]GTGAGCCGCGGGTCTGAATAGGGGACAGGACAGAGGAACAGAGTCAGGTGCCAGTCTGGA-3'
Protein context (NP_005520.4, residues 2767-2787): LPSHHQTRGS[Arg2777Gln]LRLHHVSPAD

ClinVar aggregate classification (germline): Benign/Likely benign. Review status: criteria provided, multiple submitters, no conflicts (2 of 4 stars). 8 submissions from 7 submitters: Benign (5); Likely benign (3). Last evaluated 2026-01-13.

Conditions:
Connective tissue disorder. Also called: Connective tissue disease. Identifiers: MedGen C0009782, MONDO:0003900.
Schwartz-Jampel syndrome. Also called: Myotonic myopathy dwarfism chondrodystrophy and ocular and facial abnormalities. Identifiers: Orphanet 800, MedGen C0036391, MONDO:0009717.
Lethal Kniest-like syndrome (DDSH). Also called: Dyssegmental Dysplasia. Identifiers: Orphanet 1865, MedGen C1857100, MONDO:0009140, OMIM 224410.

Allele frequency attached by ClinVar (database versions not stated): ESP Exome Variant Server 0.00357; gnomAD 0.00397 and 0.00421; TOPMed 0.00397; 1000 Genomes Project 30x 0.00406; 1000 Genomes Project 0.00439.

Submissions (8):

Labcorp Genetics (formerly Invitae), Labcorp
Classification: Benign. Last evaluated: 2026-01-13. Review status: criteria provided, single submitter. Criteria: Invitae Variant Classification Sherloc (09022015). Collection method: clinical testing. Allele origin: germline.

CeGaT Center for Human Genetics Tuebingen
Classification: Likely benign. Last evaluated: 2025-08-01. Review status: criteria provided, single submitter. Criteria: CeGaT Center For Human Genetics Tuebingen Variant Classification Criteria Version 2. Collection method: clinical testing. Allele origin: germline. Affected: yes. Observed: 2 variant alleles.
Comment: HSPG2: BP4, BS1

ARUP Laboratories, Molecular Genetics and Genomics, ARUP Laboratories
Classification: Benign. Last evaluated: 2025-06-20. Review status: criteria provided, single submitter. Criteria: ARUP Molecular Germline Variant Investigation Process 2024. Collection method: clinical testing. Allele origin: germline.

Blueprint Genetics
Classification: Likely benign. Last evaluated: 2024-11-11. Review status: criteria provided, single submitter. Criteria: ACMG Guidelines, 2015. Collection method: clinical testing. Allele origin: germline.

GeneDx
Classification: Benign. Last evaluated: 2020-06-29. Review status: criteria provided, single submitter. Criteria: GeneDx Variant Classification Process June 2021. Collection method: clinical testing. Allele origin: germline. Affected: yes.

Genome Diagnostics Laboratory, The Hospital for Sick Children
Classification: Likely benign for Connective tissue disorder. Last evaluated: 2019-02-01. Review status: criteria provided, single submitter. Criteria: ACMG Guidelines, 2015. Collection method: clinical testing. Allele origin: germline.

Illumina Laboratory Services, Illumina
Classification: Benign for Schwartz-Jampel syndrome type 1. Last evaluated: 2017-04-27. Review status: criteria provided, single submitter. Criteria: ICSL Variant Classification Criteria 13 December 2019. Collection method: clinical testing. Allele origin: germline.
Comment: This variant was observed as part of a predisposition screen in an ostensibly healthy population. A literature search was performed for the gene, cDNA change, and amino acid change (where applicable). No publications were found based on this search. Allele frequency data from public databases was too high to be consistent with this variant causing disease. Therefore, this variant is classified as benign.

Illumina Laboratory Services, Illumina
Classification: Benign for Lethal Kniest-like syndrome. Last evaluated: 2017-04-27. Review status: criteria provided, single submitter. Criteria: ICSL Variant Classification Criteria 13 December 2019. Collection method: clinical testing. Allele origin: germline.
Comment: the same text as in the submission from Illumina Laboratory Services, Illumina above.